The following is an entry in ClinVar:

ClinVar aggregate classification (germline): Uncertain significance. Review status: criteria provided, multiple submitters, no conflicts (2 of 4 stars). 6 submissions from 6 submitters: Uncertain significance (6). Last evaluated 2026-08-01.

Conditions:
PLEC-related disorder. Also called: PLEC-related condition; PLEC-related disorders.
Epidermolysis bullosa simplex, Ogna type (EBS5A). Also called: Pidermolysis bullosa simplex 5A, Ogna type; EPIDERMOLYSIS BULLOSA SIMPLEX 5A, OGNA TYPE. Identifiers: Orphanet 79401, MedGen C0432317, MONDO:0007555, OMIM 131950.
Autosomal recessive limb-girdle muscular dystrophy type 2Q (LGMDR17). Also called: MUSCULAR DYSTROPHY, LIMB-GIRDLE, AUTOSOMAL RECESSIVE 17. Identifiers: Orphanet 254361, MedGen C3150989, MONDO:0013390, OMIM 613723.
Epidermolysis bullosa simplex 5C, with pyloric atresia (EBS5C). Also called: PLEC1-Related Epidermolysis Bullosa with Pyloric Atresia; PLEC-Related Epidermolysis Bullosa with Pyloric Atresia; Epidermolysis bullosa simplex with pyloric atresia. Identifiers: Orphanet 158684, MedGen C2677349, MONDO:0012807, OMIM 612138.
Epidermolysis bullosa simplex 5B, with muscular dystrophy (EBS5B). Also called: EPIDERMOLYSIS BULLOSA SIMPLEX AND LIMB-GIRDLE MUSCULAR DYSTROPHY; Epidermolysis bullosa simplex with muscular dystrophy. Identifiers: Orphanet 257, MedGen C2931072, MONDO:0009181, OMIM 226670.
Epidermolysis bullosa simplex with nail dystrophy (EBS5D). Identifiers: MedGen C4225309, MONDO:0014661, OMIM 616487.

Allele frequency attached by ClinVar (database versions not stated): ExAC 0.00002; gnomAD 0.00002 and 0.00003; gnomAD exomes 0.00004; TOPMed 0.00005; ESP Exome Variant Server 0.00008.

Submissions (6):

CeGaT Center for Human Genetics Tuebingen
Classification: Uncertain significance. Last evaluated: 2026-08-01. Review status: criteria provided, single submitter. Criteria: CeGaT Center For Human Genetics Tuebingen Variant Classification Criteria Version 2. Collection method: clinical testing. Allele origin: germline. Affected: yes. Observed: 1 variant allele.
Comment: PLEC: PM2

PreventionGenetics, part of Exact Sciences
Classification: Uncertain significance for PLEC-related condition. Last evaluated: 2026-07-05. Review status: criteria provided, single submitter. Criteria: ACMG Guidelines, 2015. Collection method: clinical testing. Allele origin: germline.
Comment: The PLEC c.12332C>T variant is predicted to result in the amino acid substitution p.Ser4111Leu. To our knowledge, this variant has not been reported in the literature. This variant is reported in 0.0099% of alleles in individuals of Ashkenazi Jewish descent in gnomAD. At this time, the clinical significance of this variant is uncertain due to the absence of conclusive functional and genetic evidence.

Labcorp Genetics (formerly Invitae), Labcorp
Classification: Uncertain significance for Autosomal recessive limb-girdle muscular dystrophy type 2Q; Epidermolysis bullosa simplex, Ogna type; Epidermolysis bullosa simplex with nail dystrophy; Epidermolysis bullosa simplex 5C, with pyloric atresia; Epidermolysis bullosa simplex 5B, with muscular dystrophy. Last evaluated: 2026-01-16. Review status: criteria provided, single submitter. Criteria: Invitae Variant Classification Sherloc (09022015). Collection method: clinical testing. Allele origin: germline.
Comment: This sequence change replaces serine, which is neutral and polar, with leucine, which is neutral and non-polar, at codon 4111 of the PLEC protein (p.Ser4111Leu). This variant is present in population databases (rs376783002, gnomAD 0.01%). This variant has not been reported in the literature in individuals affected with PLEC-related conditions. ClinVar contains an entry for this variant (Variation ID: 845209). Invitae Evidence Modeling of protein sequence and biophysical properties (such as structural, functional, and spatial information, amino acid conservation, physicochemical variation, residue mobility, and thermodynamic stability) indicates that this missense variant is not expected to disrupt PLEC protein function with a negative predictive value of 80%. In summary, the available evidence is currently insufficient to determine the role of this variant in disease. Therefore, it has been classified as a Variant of Uncertain Significance.

Athena Diagnostics
Classification: Uncertain significance. Last evaluated: 2025-06-27. Review status: criteria provided, single submitter. Criteria: Athena Diagnostics Criteria. Collection method: clinical testing. Allele origin: unknown.
Comment: Available data are insufficient to determine the clinical significance of the variant at this time. The frequency of this variant in the general population is uninformative in assessment of its pathogenicity. Polyphen and MutationTaster yielded discordant predictions regarding whether this amino acid change is damaging to the protein.

Revvity Omics, Revvity
Classification: Uncertain significance. Last evaluated: 2024-06-10. Review status: criteria provided, single submitter. Criteria: ACMG Guidelines, 2015. Collection method: clinical testing. Allele origin: germline.

GeneDx
Classification: Uncertain significance. Last evaluated: 2024-04-21. Review status: criteria provided, single submitter. Criteria: GeneDx Variant Classification Process June 2021. Collection method: clinical testing. Allele origin: germline. Affected: yes.
Comment: Not observed at significant frequency in large population cohorts (gnomAD); In silico analysis supports that this missense variant has a deleterious effect on protein structure/function; Missense variant in a gene in which most reported pathogenic variants are truncating/loss of function; Has not been previously published as pathogenic or benign to our knowledge

NM_201384.3(PLEC):c.12251C>T (p.Ser4084Leu)

Gene: PLEC (plectin; minus strand). Cytogenetic location: 8q24.3.
Variant type: single nucleotide variant.
Coding change: c.12251C>T on transcript NM_201384.3 (MANE Select); coding-DNA position 12251, C replaced by T.
Protein change: p.Ser4084Leu; replaces serine 4084 with leucine.
Molecular consequence: missense variant.
Genome position (GRCh38, 1-based): chr8:143,917,570, G>A on the plus strand (C>T on the coding strand, the complement: PLEC is on the minus strand). VCF-style: chr8-143917570-G-A. GRCh37 (hg19) VCF-style: chr8-144991738-G-A.
Other names: c.12332C>T, p.Ser4111Leu (NM_000445.5); c.12209C>T, p.Ser4070Leu (NM_201378.4); c.12185C>T, p.Ser4062Leu (NM_201379.3); c.12662C>T, p.Ser4221Leu (NM_201380.4); c.12155C>T, p.Ser4052Leu (NM_201381.3); c.12251C>T, p.Ser4084Leu (NM_201382.4); c.12263C>T, p.Ser4088Leu (NM_201383.3); c.12332C>T (NM_000445.3); short protein forms S4084L, S4111L, S4221L, S4088L, S4052L, S4062L, S4070L.
Identifiers: ClinVar variation 845209 (VCV000845209.13), dbSNP rs376783002, ClinGen allele CA4924135.